The following is an entry in ClinVar:

NM_014975.3(MAST1):c.2320A>G (p.Lys774Glu)

Genes: MAST1 (microtubule associated serine/threonine kinase 1; plus strand), LOC112543452 (Sharpr-MPRA regulatory region 6054; plus strand). Cytogenetic location: 19p13.13.
Variant type: single nucleotide variant.
Coding change: c.2320A>G on transcript NM_014975.3 (MANE Select); coding-DNA position 2320, A replaced by G.
Protein change: p.Lys774Glu; replaces lysine 774 with glutamic acid.
Molecular consequence: missense variant.
Genome position (GRCh38, 1-based): chr19:12,867,731, A>G. VCF-style: chr19-12867731-A-G. GRCh37 (hg19) VCF-style: chr19-12978545-A-G.
Other names: short protein forms K774E.
Identifiers: ClinVar variation 3378251 (VCV003378251.1).

ClinVar aggregate classification (germline): Uncertain significance (1 of 4 stars; one submission).

Submission:

GeneDx
Classification: Uncertain significance. Last evaluated: 2024-05-13. Review status: criteria provided, single submitter. Criteria: GeneDx Variant Classification Process June 2021. Collection method: clinical testing. Allele origin: germline. Affected: yes.
Comment: Not observed at significant frequency in large population cohorts (gnomAD); In silico analysis indicates that this missense variant does not alter protein structure/function; Has not been previously published as pathogenic or benign to our knowledge